The following is an entry in ClinVar:

NM_007332.3(TRPA1):c.1812-3C>T

Genes: MSC-AS1 (MSC antisense RNA 1; plus strand), TRPA1 (transient receptor potential cation channel subfamily A member 1; minus strand). Cytogenetic location: 8q21.11.
Variant type: single nucleotide variant.
Coding change: c.1812-3C>T on transcript NM_007332.3 (MANE Select); 3 bases into the intron before coding-DNA position 1812, C replaced by T.
Molecular consequence: intron variant.
Genome position (GRCh38, 1-based): chr8:72,050,874, G>A on the plus strand (C>T on the coding strand, the complement: TRPA1 is on the minus strand). VCF-style: chr8-72050874-G-A. GRCh37 (hg19) VCF-style: chr8-72963109-G-A.
Other names: NC_000008.10:g.72963109G>A.
Identifiers: ClinVar variation 3055480 (VCV003055480.3), dbSNP rs35427625, ClinGen allele CA4780765.
Genomic context (GRCh38, chr8:72,050,874, plus strand): 5'-AATTGGACATTTATTGCCTGGAGAATTATGACTGAAAATCTTAAGACATTCATCCCATCT[G>A]TAAAAAATAAATAAGTAAGATAAGCACAGGTCTTCATCCTTCTGTTCTGTACAACAGCTG-3'

ClinVar aggregate classification (germline): Benign (0 of 4 stars; one submission).

Conditions:
TRPA1-related disorder. Also called: TRPA1-related condition.

Allele frequency attached by ClinVar (database versions not stated): ExAC 0.08920; 1000 Genomes Project 0.09085; 1000 Genomes Project 30x 0.09244; gnomAD 0.10403; TOPMed 0.10682; ESP Exome Variant Server 0.10791.
gnomAD v4.1: 151,653 of 1,589,380 alleles (9.5%); highest among the groups gnomAD compares: African/African-American, 14%; 8,124 homozygotes.

Submissions (19):

PreventionGenetics, part of Exact Sciences
Classification: Benign for TRPA1-related condition. Last evaluated: 2019-10-28. Review status: no assertion criteria provided. Collection method: clinical testing. Allele origin: germline.
Comment: This variant is classified as benign based on ACMG/AMP sequence variant interpretation guidelines (Richards et al. 2015 PMID: 25741868, with internal and published modifications).

Dr. Peter K. Rogan Lab, Western University
No classification provided (evidence only). Condition: Malignant lymphoma, large B-cell, diffuse. Review status: no classification provided. Collection method: in vitro. Allele origin: not applicable. Functional consequence: retained intron. Not counted in ClinVar's aggregate classification.

Dr. Peter K. Rogan Lab, Western University
No classification provided (evidence only). Condition: Adrenocortical carcinoma, hereditary. Review status: no classification provided. Collection method: in vitro. Allele origin: not applicable. Functional consequence: retained intron. Not counted in ClinVar's aggregate classification.

Dr. Peter K. Rogan Lab, Western University
No classification provided (evidence only). Condition: Adrenocortical carcinoma, hereditary. Review status: no classification provided. Collection method: in vitro. Allele origin: not applicable. Functional consequence: retained intron. Not counted in ClinVar's aggregate classification.

Dr. Peter K. Rogan Lab, Western University
No classification provided (evidence only). Condition: Uterine carcinosarcoma. Review status: no classification provided. Collection method: in vitro. Allele origin: not applicable. Functional consequence: retained intron. Not counted in ClinVar's aggregate classification.

Dr. Peter K. Rogan Lab, Western University
No classification provided (evidence only). Condition: Nonpapillary renal cell carcinoma. Review status: no classification provided. Collection method: in vitro. Allele origin: not applicable. Functional consequence: retained intron. Not counted in ClinVar's aggregate classification.

Dr. Peter K. Rogan Lab, Western University
No classification provided (evidence only). Condition: Nonpapillary renal cell carcinoma. Review status: no classification provided. Collection method: in vitro. Allele origin: not applicable. Functional consequence: retained intron. Not counted in ClinVar's aggregate classification.

Dr. Peter K. Rogan Lab, Western University
No classification provided (evidence only). Condition: Nonpapillary renal cell carcinoma. Review status: no classification provided. Collection method: in vitro. Allele origin: not applicable. Functional consequence: retained intron. Not counted in ClinVar's aggregate classification.

Dr. Peter K. Rogan Lab, Western University
No classification provided (evidence only). Condition: Nonpapillary renal cell carcinoma. Review status: no classification provided. Collection method: in vitro. Allele origin: not applicable. Functional consequence: retained intron. Not counted in ClinVar's aggregate classification.

Dr. Peter K. Rogan Lab, Western University
No classification provided (evidence only). Condition: Nonpapillary renal cell carcinoma. Review status: no classification provided. Collection method: in vitro. Allele origin: not applicable. Functional consequence: retained intron. Not counted in ClinVar's aggregate classification.

Dr. Peter K. Rogan Lab, Western University
No classification provided (evidence only). Condition: Familial pancreatic carcinoma. Review status: no classification provided. Collection method: in vitro. Allele origin: not applicable. Functional consequence: retained intron. Not counted in ClinVar's aggregate classification.

Dr. Peter K. Rogan Lab, Western University
No classification provided (evidence only). Condition: Familial pancreatic carcinoma. Review status: no classification provided. Collection method: in vitro. Allele origin: not applicable. Functional consequence: retained intron. Not counted in ClinVar's aggregate classification.

Dr. Peter K. Rogan Lab, Western University
No classification provided (evidence only). Condition: Familial pancreatic carcinoma. Review status: no classification provided. Collection method: in vitro. Allele origin: not applicable. Functional consequence: retained intron. Not counted in ClinVar's aggregate classification.

Dr. Peter K. Rogan Lab, Western University
No classification provided (evidence only). Condition: Familial pancreatic carcinoma. Review status: no classification provided. Collection method: in vitro. Allele origin: not applicable. Functional consequence: retained intron. Not counted in ClinVar's aggregate classification.

Dr. Peter K. Rogan Lab, Western University
No classification provided (evidence only). Condition: Familial pancreatic carcinoma. Review status: no classification provided. Collection method: in vitro. Allele origin: not applicable. Functional consequence: retained intron. Not counted in ClinVar's aggregate classification.

Dr. Peter K. Rogan Lab, Western University
No classification provided (evidence only). Condition: Familial pancreatic carcinoma. Review status: no classification provided. Collection method: in vitro. Allele origin: not applicable. Functional consequence: retained intron. Not counted in ClinVar's aggregate classification.

Dr. Peter K. Rogan Lab, Western University
No classification provided (evidence only). Condition: Familial pancreatic carcinoma. Review status: no classification provided. Collection method: in vitro. Allele origin: not applicable. Functional consequence: retained intron. Not counted in ClinVar's aggregate classification.

Dr. Peter K. Rogan Lab, Western University
No classification provided (evidence only). Condition: Familial pancreatic carcinoma. Review status: no classification provided. Collection method: in vitro. Allele origin: not applicable. Functional consequence: retained intron. Not counted in ClinVar's aggregate classification.

Dr. Peter K. Rogan Lab, Western University
No classification provided (evidence only). Condition: Familial pancreatic carcinoma. Review status: no classification provided. Collection method: in vitro. Allele origin: not applicable. Functional consequence: retained intron. Not counted in ClinVar's aggregate classification.